The following is an entry in ClinVar:

ClinVar aggregate classification (germline): Uncertain significance. Review status: criteria provided, multiple submitters, no conflicts (2 of 4 stars). 2 submissions from 2 submitters: Uncertain significance (2). Last evaluated 2024-08-23.

Conditions:
DOCK2 deficiency. Also called: Immunodeficiency 40. Identifiers: Orphanet 447737, MedGen C4225328, MONDO:0014637, OMIM 616433.

Allele frequency attached by ClinVar (database versions not stated): gnomAD exomes 0.00001; ExAC 0.00002.

Submissions (2):

Blueprint Genetics
Classification: Uncertain significance. Last evaluated: 2024-08-23. Review status: criteria provided, single submitter. Criteria: ACMG Guidelines, 2015. Collection method: clinical testing. Allele origin: germline.

Labcorp Genetics (formerly Invitae), Labcorp
Classification: Uncertain significance for DOCK2 deficiency. Last evaluated: 2018-11-01. Review status: criteria provided, single submitter. Criteria: Invitae Variant Classification Sherloc (09022015). Collection method: clinical testing. Allele origin: germline.
Comment: In summary, the available evidence is currently insufficient to determine the role of this variant in disease. Therefore, it has been classified as a Variant of Uncertain Significance. Algorithms developed to predict the effect of missense changes on protein structure and function (SIFT, PolyPhen-2, Align-GVGD) all suggest that this variant is likely to be tolerated, but these predictions have not been confirmed by published functional studies and their clinical significance is uncertain. This variant has not been reported in the literature in individuals with DOCK2-related disease. This variant is present in population databases (rs762466077, ExAC 0.003%). This sequence change replaces methionine with leucine at codon 1388 of the DOCK2 protein (p.Met1388Leu). The methionine residue is moderately conserved and there is a small physicochemical difference between methionine and leucine.

NM_004946.3(DOCK2):c.4162A>T (p.Met1388Leu)

Gene: DOCK2 (dedicator of cytokinesis 2; plus strand). Cytogenetic location: 5q35.1.
Variant type: single nucleotide variant.
Coding change: c.4162A>T on transcript NM_004946.3 (MANE Select); coding-DNA position 4162, A replaced by T.
Protein change: p.Met1388Leu; replaces methionine 1388 with leucine.
Molecular consequence: missense variant. On other transcripts: non-coding transcript variant (1).
Genome position (GRCh38, 1-based): chr5:170,050,346, A>T. VCF-style: chr5-170050346-A-T. GRCh37 (hg19) VCF-style: chr5-169477350-A-T.
Other names: c.4162A>T, p.Met1388Leu (LRG_1227t1); short protein forms M1388L.
Identifiers: ClinVar variation 636506 (VCV000636506.10), dbSNP rs762466077, ClinGen allele CA3554445.